The following is an entry in ClinVar:

NM_001388303.1(HECTD4):c.10726C>G (p.Leu3576Val)

Gene: HECTD4 (HECT domain E3 ubiquitin protein ligase 4; minus strand). Cytogenetic location: 12q24.13.
Variant type: single nucleotide variant.
Coding change: c.10726C>G on transcript NM_001388303.1 (MANE Select); coding-DNA position 10726, C replaced by G.
Protein change: p.Leu3576Val; replaces leucine 3576 with valine.
Molecular consequence: missense variant.
Genome position (GRCh38, 1-based): chr12:112,184,240, G>C on the plus strand (C>G on the coding strand, the complement: HECTD4 is on the minus strand). VCF-style: chr12-112184240-G-C. GRCh37 (hg19) VCF-style: chr12-112622044-G-C.
Other names: c.10756C>G, p.Leu3586Val (NM_001109662.4); c.10324C>G (NM_001109662.3); short protein forms L3576V, L3586V.
Identifiers: ClinVar variation 2643336 (VCV002643336.25), dbSNP rs201553347, ClinGen allele CA6796180.

ClinVar aggregate classification (germline): Likely benign. Review status: criteria provided, multiple submitters, no conflicts (2 of 4 stars). 2 submissions from 2 submitters: Likely benign (2). Last evaluated 2026-01-31.

Conditions:
HECTD4-related disorder. Also called: HECTD4-related condition.

Allele frequency attached by ClinVar (database versions not stated): 1000 Genomes Project 0.00100; 1000 Genomes Project 30x 0.00109; TOPMed 0.00272; ExAC 0.00283; gnomAD 0.00285; ESP Exome Variant Server 0.00335; gnomAD exomes 0.00499.
gnomAD v4.1: 7,673 of 1,613,524 alleles (0.48%); highest among the groups gnomAD compares: Non-Finnish European, 0.59%; 29 homozygotes.

Submissions (2):

PreventionGenetics, part of Exact Sciences
Classification: Likely benign for HECTD4-related condition. Last evaluated: 2026-01-31. Review status: criteria provided, single submitter. Criteria: ACMG Guidelines, 2015. Collection method: clinical testing. Allele origin: germline.
Comment: This variant is classified as likely benign based on ACMG/AMP sequence variant interpretation guidelines (Richards et al. 2015 PMID: 25741868, with internal and published modifications).

CeGaT Center for Human Genetics Tuebingen
Classification: Likely benign. Last evaluated: 2022-11-01. Review status: criteria provided, single submitter. Criteria: CeGaT Center For Human Genetics Tuebingen Variant Classification Criteria Version 2. Collection method: clinical testing. Allele origin: germline. Affected: yes. Observed: 1 variant allele.
Comment: HECTD4: PP2, BP4, BS2